The following is an entry in ClinVar:

NM_000059.4(BRCA2):c.5554_5560del (p.Val1852fs)

Gene: BRCA2 (BRCA2 DNA repair associated; plus strand). Cytogenetic location: 13q13.1.
Variant type: Deletion.
Coding change: c.5554_5560del on transcript NM_000059.4 (MANE Select); coding-DNA positions 5554 to 5560, 7 bases deleted (GTTTGTG; older notation c.5554_5560delGTTTGTG).
Protein change: p.Val1852fs; shifts the reading frame from valine 1852.
Molecular consequence: frameshift variant.
Genome position (GRCh38, 1-based): chr13:32,339,909-32,339,915, GTTTGTG deleted. VCF-style (leftmost placement, unchanged base first): chr13-32339908-CGTTTGTG-C. GRCh37 (hg19) VCF-style: chr13-32914045-CGTTTGTG-C.
Other names: 5582del7; short protein forms V1852fs.
Identifiers: ClinVar variation 266881 (VCV000266881.3), dbSNP rs886040596, ClinGen allele CA10589318.
Genomic context (GRCh38, chr13:32,339,908, plus strand): 5'-ATCTAATAGTAATAATTTTGAGGTAGGGCCACCTGCATTTAGGATAGCCAGTGGTAAAAT[CGTTTGTG>C]TTTCACATGAAACAATTAAAAAAGTGAAAGACATATTTACAGACAGTTTCAGTAAAGTAA-3'

ClinVar aggregate classification (germline): Pathogenic (3 of 4 stars; one submission).

Conditions:
Breast-ovarian cancer, familial, susceptibility to, 2 (BROVCA2). Also called: BRCA2 Hereditary Breast and Ovarian Cancer. Identifiers: Orphanet 145, MedGen C2675520, MONDO:0012933, OMIM 612555. Disease mechanism: loss of function.

Submission:

Evidence-based Network for the Interpretation of Germline Mutant Alleles (ENIGMA)
Classification: Pathogenic for Breast-ovarian cancer, familial, susceptibility to, 2. Last evaluated: 2016-10-18. Review status: reviewed by expert panel. Criteria: ENIGMA BRCA1/2 Classification Criteria (2015). Collection method: curation. Allele origin: germline.
Comment: Variant allele predicted to encode a truncated non-functional protein.